The following is an entry in ClinVar:

ClinVar aggregate classification (germline): Conflicting classifications of pathogenicity. Review status: criteria provided, conflicting classifications (1 of 4 stars). 3 submissions from 3 submitters: Uncertain significance (1); Likely benign (1). 1 of the submissions does not count toward it. Last evaluated 2023-03-23.

Conditions:
Hereditary cancer-predisposing syndrome. Also called: Tumor predisposition; Neoplastic Syndromes, Hereditary; Hereditary Cancer Syndrome; Hereditary neoplastic syndrome. Identifiers: Orphanet 140162, MedGen C0027672, MeSH D009386, MONDO:0015356.
Hereditary breast ovarian cancer syndrome. Also called: Hereditary breast and ovarian cancer syndrome (HBOC); Hereditary breast and ovarian cancer syndrome; Hereditary breast and ovarian cancer; Hereditary breast and/or ovarian cancer syndrome; Breast and ovarian cancer; BRCA1- and BRCA2-Associated Hereditary Breast and Ovarian Cancer. Identifiers: Orphanet 145, MedGen C0677776, MeSH D061325, MONDO:0003582. Disease mechanism: loss of function.
Breast-ovarian cancer, familial, susceptibility to, 1 (BROVCA1). Also called: OVARIAN CANCER, SUSCEPTIBILITY TO; BRCA1 Hereditary Breast and Ovarian Cancer. Identifiers: Orphanet 145, MedGen C2676676, MONDO:0011450, OMIM 604370. Disease mechanism: loss of function.

Submissions (3):

University of Washington Department of Laboratory Medicine, University of Washington
Classification: Likely benign for Hereditary cancer-predisposing syndrome. Last evaluated: 2023-03-23. Review status: criteria provided, single submitter. Criteria: Dines et al. (Genet Med. 2020). Collection method: curation. Allele origin: germline.
Comment: Missense variant in a coldspot region where missense variants are very unlikely to be pathogenic (PMID:31911673).

BRCA1 coldspot (exon 11 using historical exon numbering). Reclassification based on statistical prior probability

Labcorp Genetics (formerly Invitae), Labcorp
Classification: Uncertain significance for Hereditary breast ovarian cancer syndrome. Last evaluated: 2021-10-08. Review status: criteria provided, single submitter. Criteria: Invitae Variant Classification Sherloc (09022015). Collection method: clinical testing. Allele origin: germline.
Comment: In summary, the available evidence is currently insufficient to determine the role of this variant in disease. Therefore, it has been classified as a Variant of Uncertain Significance. Advanced modeling of protein sequence and biophysical properties (such as structural, functional, and spatial information, amino acid conservation, physicochemical variation, residue mobility, and thermodynamic stability) performed at Invitae indicates that this missense variant is not expected to disrupt BRCA1 protein function. ClinVar contains an entry for this variant (Variation ID: 54323). This variant has not been reported in the literature in individuals affected with BRCA1-related conditions. This variant is not present in population databases (ExAC no frequency). This sequence change replaces glycine with valine at codon 559 of the BRCA1 protein (p.Gly559Val). The glycine residue is moderately conserved and there is a moderate physicochemical difference between glycine and valine.

Breast Cancer Information Core (BIC) (BRCA1)
Classification: Uncertain significance for Breast-ovarian cancer, familial 1. Last evaluated: 2004-11-25. Review status: no assertion criteria provided. Collection method: clinical testing. Allele origin: germline. Affected: yes. Observed: 1 variant allele. Not counted in ClinVar's aggregate classification.

NM_007294.4(BRCA1):c.1676G>T (p.Gly559Val)

Gene: BRCA1 (BRCA1 DNA repair associated; minus strand). Cytogenetic location: 17q21.31.
Variant type: single nucleotide variant.
Coding change: c.1676G>T on transcript NM_007294.4 (MANE Select); coding-DNA position 1676, G replaced by T.
Protein change: p.Gly559Val; replaces glycine 559 with valine.
Molecular consequence: missense variant. On other transcripts: intron variant (137).
Genome position (GRCh38, 1-based): chr17:43,093,855, C>A on the plus strand (G>T on the coding strand, the complement: BRCA1 is on the minus strand). VCF-style: chr17-43093855-C-A. GRCh37 (hg19) VCF-style: chr17-41245872-C-A.
Other names: c.1673G>T, p.Gly558Val (NM_001407615.1, NM_001407627.1, NM_001407628.1 and 22 more transcripts); c.1676G>T, p.Gly559Val (NM_001407616.1, NM_001407617.1, NM_001407618.1 and 30 more transcripts); c.1667G>T, p.Gly556Val (NM_001407646.1, NM_001407647.1); c.1553G>T, p.Gly518Val (NM_001407648.1, NM_001407664.1, NM_001407665.1 and 19 more transcripts); c.1550G>T, p.Gly517Val (NM_001407649.1, NM_001407670.1, NM_001407671.1 and 11 more transcripts); c.1598G>T, p.Gly533Val (NM_001407653.1, NM_001407654.1, NM_001407655.1 and 4 more transcripts); c.1595G>T, p.Gly532Val (NM_001407659.1, NM_001407660.1, NM_001407661.1 and 1 more transcripts); c.1535G>T, p.Gly512Val (NM_001407692.1, NM_001407694.1, NM_001407695.1 and 29 more transcripts); and 40 more; short protein forms G559V, G512V, G263V, G431V, G491V, G511V, G432V, G488V.
Identifiers: ClinVar variation 54323 (VCV000054323.11), dbSNP rs80356980, ClinGen allele CA001104.